The following is an entry in ClinVar:

ClinVar aggregate classification (germline): Uncertain significance (1 of 4 stars; one submission).

Conditions:
Charcot-Marie-Tooth disease axonal type 2O. Also called: Charcot-Marie-Tooth disease, axonal, type 20; CHARCOT-MARIE-TOOTH NEUROPATHY, AXONAL, TYPE 2O; CHARCOT-MARIE-TOOTH DISEASE, AXONAL, AUTOSOMAL DOMINANT, TYPE 2O; Charcot-Marie-Tooth Neuropathy Type 2O. Identifiers: Orphanet 284232, MedGen C3280220, MONDO:0013644, OMIM 614228.

Submission:

Labcorp Genetics (formerly Invitae), Labcorp
Classification: Uncertain significance for Charcot-Marie-Tooth disease axonal type 2O. Last evaluated: 2024-03-30. Review status: criteria provided, single submitter. Criteria: Invitae Variant Classification Sherloc (09022015). Collection method: clinical testing. Allele origin: germline.
Comment: This sequence change replaces alanine, which is neutral and non-polar, with threonine, which is neutral and polar, at codon 2420 of the DYNC1H1 protein (p.Ala2420Thr). This variant is not present in population databases (gnomAD no frequency). This variant has not been reported in the literature in individuals affected with DYNC1H1-related conditions. Advanced modeling of protein sequence and biophysical properties (such as structural, functional, and spatial information, amino acid conservation, physicochemical variation, residue mobility, and thermodynamic stability) performed at Invitae indicates that this missense variant is not expected to disrupt DYNC1H1 protein function with a negative predictive value of 95%. In summary, the available evidence is currently insufficient to determine the role of this variant in disease. Therefore, it has been classified as a Variant of Uncertain Significance.

NM_001376.5(DYNC1H1):c.7258G>A (p.Ala2420Thr)

Gene: DYNC1H1 (dynein cytoplasmic 1 heavy chain 1; plus strand). Cytogenetic location: 14q32.31.
Variant type: single nucleotide variant.
Coding change: c.7258G>A on transcript NM_001376.5 (MANE Select); coding-DNA position 7258, G replaced by A.
Protein change: p.Ala2420Thr; replaces alanine 2420 with threonine.
Molecular consequence: missense variant.
Genome position (GRCh38, 1-based): chr14:102,015,871, G>A. VCF-style: chr14-102015871-G-A. GRCh37 (hg19) VCF-style: chr14-102482208-G-A.
Other names: short protein forms A2420T.
Identifiers: ClinVar variation 3636157 (VCV003636157.2).
Genomic context (GRCh38, chr14:102,015,871, plus strand): 5'-CTGCCTTTTGAAAGATAGTTAAGTATCACTCCTTCCACTTTCTAGATCCAAAGAGATGCA[G>A]CTACGATCATGCAACCGTACTTCACGTCCAACGGCCTGGTCACCAAGGCGCTAGAGCACG-3'
Protein context (NP_001367.2, residues 2410-2430): SPMLQIQRDA[Ala2420Thr]TIMQPYFTSN